The following is an entry in ClinVar:

ClinVar aggregate classification (germline): Likely benign (1 of 4 stars; one submission).

Submission:

CeGaT Center for Human Genetics Tuebingen
Classification: Likely benign. Last evaluated: 2026-05-01. Review status: criteria provided, single submitter. Criteria: CeGaT Center For Human Genetics Tuebingen Variant Classification Criteria Version 2. Collection method: clinical testing. Allele origin: germline. Affected: yes. Observed: 1 variant allele.
Comment: CTLA4: BS1

NC_000002.12:g.203854033G>T

Gene: CTLA4 (cytotoxic T-lymphocyte associated protein 4; plus strand). Cytogenetic location: 2q33.2.
Variant type: single nucleotide variant.
Genome position: GRCh38 VCF-style: chr2-203854033-G-T. GRCh37 (hg19) VCF-style: chr2-204718756-G-T.
Identifiers: ClinVar variation 4874098 (VCV004874098.2).
Genomic context (GRCh38, chr2:203,854,033, plus strand): 5'-GCCCTAGTCATTATCTAAGACTTGGATTCAGTGCATTTCACATCGCTGAGCTCTCACATG[G>T]CTCCTGGTCTTGGAAATGGCCACTGGACTGCCTCCATAGTCAGGTAAGGCCCAGCTTTTC-3'